The following is an entry in ClinVar:

NM_000057.4(BLM):c.2774C>G (p.Ser925Cys)

Gene: BLM (BLM RecQ like helicase; plus strand). Cytogenetic location: 15q26.1.
Variant type: single nucleotide variant.
Coding change: c.2774C>G on transcript NM_000057.4 (MANE Select); coding-DNA position 2774, C replaced by G.
Protein change: p.Ser925Cys; replaces serine 925 with cysteine.
Molecular consequence: missense variant.
Genome position (GRCh38, 1-based): chr15:90,785,032, C>G. VCF-style: chr15-90785032-C-G. GRCh37 (hg19) VCF-style: chr15-91328262-C-G.
Other names: c.2774C>G, p.Ser925Cys (NM_001287246.2, NM_001287247.2); c.1649C>G, p.Ser550Cys (NM_001287248.2); short protein forms S550C, S925C.
Identifiers: ClinVar variation 3665033 (VCV003665033.2).

ClinVar aggregate classification (germline): Uncertain significance (1 of 4 stars; one submission).

Conditions:
Bloom syndrome (BLM). Also called: Bloom-Torre-Machacek syndrome. Identifiers: Orphanet 125, MedGen C0005859, MONDO:0008876, OMIM 210900.

Submission:

Labcorp Genetics (formerly Invitae), Labcorp
Classification: Uncertain significance for Bloom syndrome. Last evaluated: 2025-01-06. Review status: criteria provided, single submitter. Criteria: Invitae Variant Classification Sherloc (09022015). Collection method: clinical testing. Allele origin: germline.
Comment: This sequence change replaces serine, which is neutral and polar, with cysteine, which is neutral and slightly polar, at codon 925 of the BLM protein (p.Ser925Cys). This variant is not present in population databases (gnomAD no frequency). This variant has not been reported in the literature in individuals affected with BLM-related conditions. Invitae Evidence Modeling of protein sequence and biophysical properties (such as structural, functional, and spatial information, amino acid conservation, physicochemical variation, residue mobility, and thermodynamic stability) indicates that this missense variant is not expected to disrupt BLM protein function with a negative predictive value of 80%. In summary, the available evidence is currently insufficient to determine the role of this variant in disease. Therefore, it has been classified as a Variant of Uncertain Significance.